The following is an entry in ClinVar:

NM_001267550.2(TTN):c.97040_97041del (p.Leu32347fs)

Genes: TTN (titin; minus strand), TTN-AS1 (TTN antisense RNA 1; plus strand). Cytogenetic location: 2q31.2.
Variant type: Deletion.
Coding change: c.97040_97041del on transcript NM_001267550.2 (MANE Select); coding-DNA positions 97040 to 97041, 2 bases deleted (TG; older notation c.97040_97041delTG).
Protein change: p.Leu32347fs; shifts the reading frame from leucine 32347.
Molecular consequence: frameshift variant.
Genome position (GRCh38, 1-based): chr2:178,542,813-178,542,814, CA deleted on the plus strand (TG on the coding strand, the reverse complement: TTN is on the minus strand). VCF-style (leftmost placement, unchanged base first): chr2-178542812-TCA-T. GRCh37 (hg19) VCF-style: chr2-179407539-TCA-T.
Other names: c.92117_92118del, p.Leu30706fs (NM_001256850.1); c.69845_69846del, p.Leu23282fs (NM_003319.4); c.89336_89337del, p.Leu29779fs (NM_133378.4); c.70220_70221del, p.Leu23407fs (NM_133432.3); c.70421_70422del, p.Leu23474fs (NM_133437.4); c.69845_69846delTG (NM_003319.4); short protein forms L23282fs, L23407fs, L23474fs, L29779fs, L30706fs, L32347fs.
Identifiers: ClinVar variation 1330597 (VCV001330597.8), dbSNP rs2154142938, ClinGen allele CA2573051772.

ClinVar aggregate classification (germline): Likely pathogenic. Review status: criteria provided, multiple submitters, no conflicts (2 of 4 stars). 2 submissions from 2 submitters: Likely pathogenic (2). Last evaluated 2025-04-22.

Conditions:
Cardiovascular phenotype. Identifiers: MedGen CN230736.

Submissions (2):

Ambry Genetics
Classification: Likely pathogenic for Cardiovascular phenotype. Last evaluated: 2025-04-22. Review status: criteria provided, single submitter. Criteria: Ambry Variant Classification Scheme 2023. Collection method: clinical testing. Allele origin: germline.
Comment: The c.69845_69846delTG variant, located in coding exon 175 of the TTN gene, results from a deletion of two nucleotides at nucleotide positions 69845 to 69846, causing a translational frameshift with a predicted alternate stop codon (p.L23282Qfs*9). This exon is located in the A-band region of the N2-B isoform of the titin protein and is constitutively expressed in TTN transcripts (percent spliced in or PSI 100%). This variant is expected to result in loss of function by premature protein truncation or nonsense-mediated mRNA decay. While truncating variants in TTN are present in 1-3% of the general population, truncating variants in the A-band are the most common cause of dilated cardiomyopathy (Herman DS et al. N. Engl. J. Med., 2012 Feb;366:619-28; Roberts AM et al. Sci Transl Med, 2015 Jan;7:270ra6). TTN truncating variants encoded in constitutive exons (PSI >90%) have been found to be significantly associated with DCM regardless of their position in titin (Schafer S et al. Nat. Genet., 2017 01;49:46-53; Akhtar MM et al. Circ Heart Fail, 2020 Oct;13:e006832; Massier M et al. Clin Genet, 2025 Jan). This variant is considered to be rare based on population cohorts in the Genome Aggregation Database (gnomAD). Based on the majority of available evidence to date, this variant is likely to be pathogenic.

ARUP Laboratories, Molecular Genetics and Genomics, ARUP Laboratories
Classification: Likely pathogenic. Last evaluated: 2021-02-04. Review status: criteria provided, single submitter. Criteria: ARUP Molecular Germline Variant Investigation Process 2021. Collection method: clinical testing. Allele origin: germline.
Comment: The TTN c.97040_97041delTG; p.Leu32347GlnfsTer9 variant, to our knowledge, is not reported in the medical literature or gene specific databases. This variant is also absent from general population databases (Exome Variant Server, Genome Aggregation Database), indicating it is not a common polymorphism. This variant causes a frameshift in exon 349 by deleting two nucleotides, so it is predicted to result in a truncated protein or mRNA subject to nonsense-mediated decay. Exon 349 is spliced into 100% of TTN transcripts and encodes a segment of the A-band, a critical region of the TTN protein that interacts with myosin and which is disproportionately enriched with truncating variants in individuals affected with dilated cardiomyopathy (Roberts 2015, Schafer 2017). Based on available information, this variant is considered to be likely pathogenic. References: Roberts AM et al. Integrated allelic, transcriptional, and phenomic dissection of the cardiac effects of titin truncations in health and disease. Sci Transl Med. 2015; 7(270): 270ra6. Schafer S et al. Titin-truncating variants affect heart function in disease cohorts and the general population. Nat Genet. 2017;49(1):46-53.